The following is an entry in ClinVar:

NM_005499.3(UBA2):c.841C>T (p.Pro281Ser)

Gene: UBA2 (ubiquitin like modifier activating enzyme 2; plus strand). Cytogenetic location: 19q13.11.
Variant type: single nucleotide variant.
Coding change: c.841C>T on transcript NM_005499.3 (MANE Select); coding-DNA position 841, C replaced by T.
Protein change: p.Pro281Ser; replaces proline 281 with serine.
Molecular consequence: missense variant.
Genome position (GRCh38, 1-based): chr19:34,450,334, C>T. VCF-style: chr19-34450334-C-T. GRCh37 (hg19) VCF-style: chr19-34941239-C-T.
Other names: c.553C>T, p.Pro185Ser (NM_001411139.1); short protein forms P185S, P281S.
Identifiers: ClinVar variation 4976001 (VCV004976001.1).

ClinVar aggregate classification (germline): Uncertain significance (1 of 4 stars; one submission).

Submission:

GeneDx
Classification: Uncertain significance. Last evaluated: 2026-02-07. Review status: criteria provided, single submitter. Criteria: GeneDx Variant Classification Process June 2021. Collection method: clinical testing. Allele origin: germline.
Comment: Not observed at significant frequency in large population cohorts (gnomAD); In silico analysis supports that this missense variant has a deleterious effect on protein structure/function; Has not been previously published as pathogenic or benign to our knowledge